The following is an entry in ClinVar:

NM_000264.5(PTCH1):c.1583A>G (p.Asn528Ser)

Gene: PTCH1 (patched 1; minus strand). Cytogenetic location: 9q22.32.
Variant type: single nucleotide variant.
Coding change: c.1583A>G on transcript NM_000264.5 (MANE Select); coding-DNA position 1583, A replaced by G.
Protein change: p.Asn528Ser; replaces asparagine 528 with serine.
Molecular consequence: missense variant. On other transcripts: non-coding transcript variant (1).
Genome position (GRCh38, 1-based): chr9:95,476,778, T>C on the plus strand (A>G on the coding strand, the complement: PTCH1 is on the minus strand). VCF-style: chr9-95476778-T-C. GRCh37 (hg19) VCF-style: chr9-98239060-T-C.
Other names: c.1385A>G, p.Asn462Ser (NM_001083602.3); c.1580A>G, p.Asn527Ser (NM_001083603.3); c.1130A>G, p.Asn377Ser (NM_001083604.3, NM_001083605.3, NM_001083606.3 and 1 more transcripts); c.1427A>G, p.Asn476Ser (NM_001354918.2); short protein forms N377S, N476S, N528S, N462S, N527S.
Identifiers: ClinVar variation 961007 (VCV000961007.11), dbSNP rs1841073512, ClinGen allele CA374118185.

ClinVar aggregate classification (germline): Uncertain significance. Review status: criteria provided, multiple submitters, no conflicts (2 of 4 stars). 2 submissions from 2 submitters: Uncertain significance (2). Last evaluated 2023-12-28.

Conditions:
Gorlin syndrome. Also called: Basal cell nevus syndrome; Nevoid Basal Cell Carcinoma Syndrome. Identifiers: Orphanet 377, MedGen C0004779, MONDO:0007187.
Hereditary cancer-predisposing syndrome. Also called: Hereditary neoplastic syndrome; Tumor predisposition; Neoplastic Syndromes, Hereditary; Hereditary Cancer Syndrome. Identifiers: Orphanet 140162, MedGen C0027672, MeSH D009386, MONDO:0015356.

Allele frequency attached by ClinVar (database versions not stated): gnomAD exomes below 0.00001.
gnomAD v4.1: 6 of 1,614,026 alleles (0.00037%); highest among the groups gnomAD compares: South Asian, 0.0011%; no homozygotes.

Submissions (2):

Ambry Genetics
Classification: Uncertain significance for Hereditary cancer-predisposing syndrome. Last evaluated: 2023-12-28. Review status: criteria provided, single submitter. Criteria: Ambry Variant Classification Scheme 2023. Collection method: clinical testing. Allele origin: germline.
Comment: The p.N528S variant (also known as c.1583A>G), located in coding exon 11 of the PTCH1 gene, results from an A to G substitution at nucleotide position 1583. The asparagine at codon 528 is replaced by serine, an amino acid with highly similar properties. This amino acid position is highly conserved in available vertebrate species. In addition, this alteration is predicted to be tolerated by in silico analysis. Since supporting evidence is limited at this time, the clinical significance of this alteration remains unclear.

Labcorp Genetics (formerly Invitae), Labcorp
Classification: Uncertain significance for Gorlin syndrome. Last evaluated: 2020-08-23. Review status: criteria provided, single submitter. Criteria: Invitae Variant Classification Sherloc (09022015). Collection method: clinical testing. Allele origin: germline.
Comment: This variant has not been reported in the literature in individuals with PTCH1-related conditions. This sequence change replaces asparagine with serine at codon 528 of the PTCH1 protein (p.Asn528Ser). The asparagine residue is moderately conserved and there is a small physicochemical difference between asparagine and serine. This variant is not present in population databases (ExAC no frequency). Algorithms developed to predict the effect of missense changes on protein structure and function (SIFT, PolyPhen-2, Align-GVGD) all suggest that this variant is likely to be tolerated, but these predictions have not been confirmed by published functional studies and their clinical significance is uncertain. In summary, the available evidence is currently insufficient to determine the role of this variant in disease. Therefore, it has been classified as a Variant of Uncertain Significance.